The following is an entry in ClinVar:

NM_030943.4(AMN):c.1006+16_1006+30del

Genes: AMN (amnion associated transmembrane protein; plus strand), LOC130056554 (ATAC-STARR-seq lymphoblastoid silent region 6136; plus strand). Cytogenetic location: 14q32.32.
Variant type: Deletion.
Coding change: c.1006+16_1006+30del on transcript NM_030943.4 (MANE Select); bases 16 to 30 of the intron after coding-DNA position 1006, 15 bases deleted (CCATCCCGCCCCGCC).
Molecular consequence: intron variant.
Genome position (GRCh38, 1-based): chr14:102,930,102-102,930,116, CCATCCCGCCCCGCC deleted; deleting any 15 consecutive bases within chr14:102,930,096-102,930,116 gives the same sequence; the c. name uses the placement nearest the transcript's 3' end. VCF-style (leftmost placement, unchanged base first): chr14-102930095-GCCCGCCCCATCCCGC-G. GRCh37 (hg19) VCF-style: chr14-103396432-GCCCGCCCCATCCCGC-G.
Identifiers: ClinVar variation 56741 (VCV000056741.2), dbSNP rs386834160, ClinGen allele CA144399.

ClinVar aggregate classification (germline): Likely pathogenic (0 of 4 stars; one submission).

Conditions:
Imerslund-Grasbeck syndrome. Also called: PERNICIOUS ANEMIA, JUVENILE, DUE TO SELECTIVE INTESTINAL MALABSORPTION OF VITAMIN B12, WITH PROTEINURIA; Megaloblastic anemia due to inborn errors of metabolism; Imerslund-Gräsbeck syndrome; ENTEROCYTE COBALAMIN MALABSORPTION; ENTEROCYTE INTRINSIC FACTOR RECEPTOR, DEFECT OF. Identifiers: Orphanet 35858, MedGen C4551825, MONDO:0009853.

Submission:

Juha Muilu Group; Institute for Molecular Medicine Finland (FIMM)
Classification: Likely pathogenic for Megaloblastic anemia due to inborn errors of metabolism. Review status: no assertion criteria provided. Collection method: not provided. Allele origin: unknown.
Comment: FinDis database variant: This variant was not found or characterized by our laboratory, data were collected from public sources: see reference
ClinVar note: Converted during submission from probable-pathogenic to Likely pathogenic.